The following is an entry in ClinVar:

ClinVar aggregate classification (germline): Uncertain significance (1 of 4 stars; one submission).

Conditions:
Alstrom syndrome (ALMS). Identifiers: Orphanet 64, MedGen C0268425, MONDO:0008763, OMIM 203800.

gnomAD v4.1: 1 of 1,614,010 alleles (0.000062%); highest among the groups gnomAD compares: South Asian, 0.0011%; no homozygotes.

Submission:

Labcorp Genetics (formerly Invitae), Labcorp
Classification: Uncertain significance for Alstrom syndrome. Last evaluated: 2023-05-04. Review status: criteria provided, single submitter. Criteria: Invitae Variant Classification Sherloc (09022015). Collection method: clinical testing. Allele origin: germline.
Comment: This sequence change replaces leucine, which is neutral and non-polar, with phenylalanine, which is neutral and non-polar, at codon 970 of the ALMS1 protein (p.Leu970Phe). This variant is not present in population databases (gnomAD no frequency). In summary, the available evidence is currently insufficient to determine the role of this variant in disease. Therefore, it has been classified as a Variant of Uncertain Significance. Algorithms developed to predict the effect of missense changes on protein structure and function output the following: SIFT: "Not Available"; PolyPhen-2: "Not Available"; Align-GVGD: "Not Available". The phenylalanine amino acid residue is found in multiple mammalian species, which suggests that this missense change does not adversely affect protein function. This variant has not been reported in the literature in individuals affected with ALMS1-related conditions.

NM_001378454.1(ALMS1):c.2907G>T (p.Leu969Phe)

Gene: ALMS1 (ALMS1 centrosome and basal body associated protein; plus strand). Cytogenetic location: 2p13.1.
Variant type: single nucleotide variant.
Coding change: c.2907G>T on transcript NM_001378454.1 (MANE Select); coding-DNA position 2907, G replaced by T.
Protein change: p.Leu969Phe; replaces leucine 969 with phenylalanine.
Molecular consequence: missense variant.
Genome position (GRCh38, 1-based): chr2:73,449,434, G>T. VCF-style: chr2-73449434-G-T. GRCh37 (hg19) VCF-style: chr2-73676561-G-T.
Other names: c.2910G>T, p.Leu970Phe (NM_015120.4); short protein forms L970F, L969F.
Identifiers: ClinVar variation 2908177 (VCV002908177.3), dbSNP rs2466096250, ClinGen allele CA347272930.